The following is an entry in ClinVar:

NM_000166.6(GJB1):c.371del (p.Lys124fs)

Gene: GJB1 (gap junction protein beta 1; plus strand). Cytogenetic location: Xq13.1.
Variant type: Deletion.
Coding change: c.371del on transcript NM_000166.6 (MANE Select); coding-DNA position 371, one base deleted (A; older notation c.371delA).
Protein change: p.Lys124fs; shifts the reading frame from lysine 124.
Molecular consequence: frameshift variant.
Genome position (GRCh38, 1-based): chrX:71,224,078, A deleted; the last of 2 consecutive A bases (chrX:71,224,077-71,224,078); deleting either gives the same sequence. VCF-style (leftmost placement, unchanged base first): chrX-71224076-CA-C. GRCh37 (hg19) VCF-style: chrX-70443926-CA-C.
Other names: c.371del, p.Lys124fs (NM_001097642.3); short protein forms K124fs.
Identifiers: ClinVar variation 637128 (VCV000637128.4), dbSNP rs1602349248, ClinGen allele CA915951196.

ClinVar aggregate classification (germline): Pathogenic. Review status: criteria provided, single submitter (1 of 4 stars). 3 submissions from 3 submitters: Pathogenic (1). 2 of the submissions do not count toward it. Last evaluated 2024-10-12.

Conditions:
Charcot-Marie-Tooth disease. Also called: Charcot-Marie-Tooth Hereditary Neuropathy; Charcot-Marie-Tooth Neuropathy. Identifiers: Orphanet 166, MedGen C0007959, MONDO:0015626.
Charcot-Marie-Tooth Neuropathy X. Identifiers: MedGen CN118851.
Charcot-Marie-Tooth disease X-linked dominant 1. Also called: Charcot-Marie-Tooth Neuropathy X Type 1; X-linked Charcot-Marie-Tooth disease type 1; GJB1 Disorders: Charcot-Marie-Tooth Neuropathy (CMT1X) and Central Nervous System Phenotypes; CHARCOT-MARIE-TOOTH NEUROPATHY, X-LINKED, 1; CHARCOT-MARIE-TOOTH PERONEAL MUSCULAR ATROPHY, X-LINKED; HEREDITARY MOTOR AND SENSORY NEUROPATHY, X-LINKED. Identifiers: Orphanet 101075, MedGen C0393808, MONDO:0010549, OMIM 302800.

Submissions (3):

Labcorp Genetics (formerly Invitae), Labcorp
Classification: Pathogenic for Charcot-Marie-Tooth Neuropathy X. Last evaluated: 2024-10-12. Review status: criteria provided, single submitter. Criteria: Invitae Variant Classification Sherloc (09022015). Collection method: clinical testing. Allele origin: germline.
Comment: This sequence change creates a premature translational stop signal (p.Lys124Argfs*72) in the GJB1 gene. While this is not anticipated to result in nonsense mediated decay, it is expected to disrupt the last 160 amino acid(s) of the GJB1 protein. This variant is not present in population databases (gnomAD no frequency). This variant has not been reported in the literature in individuals affected with GJB1-related conditions. ClinVar contains an entry for this variant (Variation ID: 637128). This variant disrupts a region of the GJB1 protein in which other variant(s) (p.Gly129Glu) have been determined to be pathogenic (internal data). This suggests that this is a clinically significant region of the protein, and that variants that disrupt it are likely to be disease-causing. For these reasons, this variant has been classified as Pathogenic.

Inherited Neuropathy Consortium Ii, University Of Miami
Classification: Uncertain significance for Charcot-Marie-Tooth disease X-linked dominant 1. Last evaluated: 2016-01-06. Review status: no assertion criteria provided. Collection method: literature only. Allele origin: germline. Affected: yes. Not counted in ClinVar's aggregate classification.

Inherited Neuropathy Consortium
Classification: Uncertain significance for Charcot-Marie-Tooth disease. Review status: no assertion criteria provided. Collection method: literature only. Allele origin: germline. Affected: yes. Not counted in ClinVar's aggregate classification.

Literature cited by the submitters: PubMed 9361298 (cited by Inherited Neuropathy Consortium Ii, University Of Miami and Inherited Neuropathy Consortium).